The following is an entry in ClinVar:

ClinVar aggregate classification (germline): Uncertain significance (1 of 4 stars; one submission).

Submission:

GeneDx
Classification: Uncertain significance. Last evaluated: 2024-10-30. Review status: criteria provided, single submitter. Criteria: GeneDx Variant Classification Process June 2021. Collection method: clinical testing. Allele origin: germline. Affected: yes.
Comment: Not observed at significant frequency in large population cohorts (gnomAD); In silico analysis indicates that this missense variant does not alter protein structure/function; Has not been previously published as pathogenic or benign to our knowledge

NM_006218.4(PIK3CA):c.1498G>A (p.Val500Ile)

Gene: PIK3CA (phosphatidylinositol-4,5-bisphosphate 3-kinase catalytic subunit alpha; plus strand). Cytogenetic location: 3q26.32.
Variant type: single nucleotide variant.
Coding change: c.1498G>A on transcript NM_006218.4 (MANE Select); coding-DNA position 1498, G replaced by A.
Protein change: p.Val500Ile; replaces valine 500 with isoleucine.
Molecular consequence: missense variant.
Genome position (GRCh38, 1-based): chr3:179,210,524, G>A. VCF-style: chr3-179210524-G-A. GRCh37 (hg19) VCF-style: chr3-178928312-G-A.
Other names: short protein forms V500I.
Identifiers: ClinVar variation 3897384 (VCV003897384.1).
Genomic context (GRCh38, chr3:179,210,524, plus strand): 5'-TTCAGCAGTGTGGTAAAGTTCCCAGATATGTCAGTGATTGAAGAGCATGCCAATTGGTCT[G>A]TATCCCGAGAAGCAGGATTTAGCTATTCCCACGCAGGACTGGTAAGGCAAATCACTGAGT-3'
Protein context (NP_006209.2, residues 490-510): SVIEEHANWS[Val500Ile]SREAGFSYSH